The following is an entry in ClinVar:

NM_000214.3(JAG1):c.826T>G (p.Cys276Gly)

Gene: JAG1 (jagged canonical Notch ligand 1; minus strand). Cytogenetic location: 20p12.2.
Variant type: single nucleotide variant.
Coding change: c.826T>G on transcript NM_000214.3 (MANE Select); coding-DNA position 826, T replaced by G.
Protein change: p.Cys276Gly; replaces cysteine 276 with glycine.
Molecular consequence: missense variant.
Genome position (GRCh38, 1-based): chr20:10,652,528, A>C on the plus strand (T>G on the coding strand, the complement: JAG1 is on the minus strand). VCF-style: chr20-10652528-A-C. GRCh37 (hg19) VCF-style: chr20-10633176-A-C.
Other names: short protein forms C276G.
Identifiers: ClinVar variation 3573123 (VCV003573123.2).
Genomic context (GRCh38, chr20:10,652,528, plus strand): 5'-CTTTGTCACAGAGCTGGCCGCCCCAGTTGGTCTCACAGAGGCACTGCCAGGGCTCATTAC[A>C]GATGCCGTGGACGCATCCCGGGTGTGGGATGCACTTATCACAGTACAGGCCTTGCCAGCC-3'
Protein context (NP_000205.1, residues 266-286): IPHPGCVHGI[Cys276Gly]NEPWQCLCET

Conditions:
Arteriohepatic dysplasia. Also called: Alagille Syndrome. Identifiers: Orphanet 52, MedGen C0085280, MeSH D016738, MONDO:0007318.

Submission:

Gilbert/Spinner Lab, Children's Hospital of Philadelphia
No classification provided (evidence only). Condition: Alagille syndrome. Review status: no classification provided. Collection method: research. Allele origin: not applicable. Functional consequence: functionally_abnormal.
ClinVar note: "not provided" was previously submitted as the classification for the variant. However, the classification appeared to be based only on an observation of functional data so it was converted to no classification on 2025-07-30.